The following is an entry in ClinVar:

ClinVar aggregate classification (germline): Uncertain significance (1 of 4 stars; one submission).

Conditions:
Hereditary cancer-predisposing syndrome. Also called: Neoplastic Syndromes, Hereditary; Tumor predisposition; Hereditary neoplastic syndrome; Hereditary Cancer Syndrome. Identifiers: Orphanet 140162, MedGen C0027672, MeSH D009386, MONDO:0015356.
Cardiovascular phenotype. Identifiers: MedGen CN230736.

Submission:

Ambry Genetics
Classification: Uncertain significance for Cardiovascular phenotype; Hereditary cancer-predisposing syndrome. Last evaluated: 2023-11-22. Review status: criteria provided, single submitter. Criteria: Ambry Variant Classification Scheme 2023. Collection method: clinical testing. Allele origin: germline.
Comment: The p.Y1573H variant (also known as c.4717T>C), located in coding exon 35 of the NF1 gene, results from a T to C substitution at nucleotide position 4717. The tyrosine at codon 1573 is replaced by histidine, an amino acid with similar properties. This amino acid position is conserved. In addition, this alteration is predicted to be deleterious by in silico analysis. Since supporting evidence is limited at this time, the clinical significance of this alteration remains unclear.

NM_001042492.3(NF1):c.4780T>C (p.Tyr1594His)

Gene: NF1 (neurofibromin 1; plus strand). Cytogenetic location: 17q11.2.
Variant type: single nucleotide variant.
Coding change: c.4780T>C on transcript NM_001042492.3 (MANE Select); coding-DNA position 4780, T replaced by C.
Protein change: p.Tyr1594His; replaces tyrosine 1594 with histidine.
Molecular consequence: missense variant.
Genome position (GRCh38, 1-based): chr17:31,265,284, T>C. VCF-style: chr17-31265284-T-C. GRCh37 (hg19) VCF-style: chr17-29592302-T-C.
Other names: c.4717T>C, p.Tyr1573His (NM_000267.4); short protein forms Y1573H, Y1594H.
Identifiers: ClinVar variation 3237798 (VCV003237798.1), dbSNP rs2151470186.